The following is an entry in ClinVar:

ClinVar aggregate classification (germline): Uncertain significance (1 of 4 stars; one submission).

Conditions:
RYR1-related disorder. Also called: RYR1-related condition; RYR1-related disorders. Identifiers: MedGen CN239331.

Submission:

Labcorp Genetics (formerly Invitae), Labcorp
Classification: Uncertain significance for RYR1-related disorder. Last evaluated: 2024-12-04. Review status: criteria provided, single submitter. Criteria: Invitae Variant Classification Sherloc (09022015). Collection method: clinical testing. Allele origin: germline.
Comment: This variant, c.900_902del, results in the deletion of 1 amino acid(s) of the RYR1 protein (p.Val301del), but otherwise preserves the integrity of the reading frame. This variant is not present in population databases (gnomAD no frequency). This variant has not been reported in the literature in individuals affected with RYR1-related conditions. Experimental studies and prediction algorithms are not available or were not evaluated, and the functional significance of this variant is currently unknown. In summary, the available evidence is currently insufficient to determine the role of this variant in disease. Therefore, it has been classified as a Variant of Uncertain Significance.

NM_000540.3(RYR1):c.894GGT[2] (p.Val301del)

Gene: RYR1 (ryanodine receptor 1; plus strand). Cytogenetic location: 19q13.2.
Variant type: Microsatellite.
Coding change: c.894GGT[2] on transcript NM_000540.3 (MANE Select); two copies in a row of the 3-base unit GGT starting at c.894; the reference has three copies in a row; one copy, 3 bases deleted.
Protein change: p.Val301del; deletes valine 301.
Genome position (GRCh38, 1-based): chr19:38,448,454-38,448,456, GGT deleted; deleting any 3 consecutive bases within chr19:38,448,447-38,448,456 gives the same sequence; the position shown is the placement nearest the transcript's 3' end. VCF-style (leftmost placement, unchanged base first): chr19-38448446-CTGG-C. GRCh37 (hg19) VCF-style: chr19-38939086-CTGG-C.
Other names: c.894GGT[2], p.Val301del (NM_001042723.2); short protein forms V301del.
Identifiers: ClinVar variation 3695590 (VCV003695590.2).